The following is an entry in ClinVar:

ClinVar aggregate classification (germline): Likely benign. Review status: criteria provided, multiple submitters, no conflicts (2 of 4 stars). 5 submissions from 5 submitters: Likely benign (3). 2 of the submissions do not count toward it. Last evaluated 2026-02-01.

Conditions:
Bardet-Biedl syndrome 10 (BBS10). Identifiers: Orphanet 110, MedGen C1859568, MONDO:0014438, OMIM 615987.
BBS10-related disorder. Also called: BBS10-related condition.
Inborn genetic diseases. Identifiers: MedGen C0950123, MeSH D030342.
Bardet-Biedl syndrome (BBS). Identifiers: Orphanet 110, MedGen C0752166, MONDO:0015229.

Allele frequency attached by ClinVar (database versions not stated): gnomAD 0.00001 and 0.00003; gnomAD exomes 0.00008 and 0.00015; ExAC 0.00017.
gnomAD v4.1: 119 of 1,614,050 alleles (0.0074%); highest among the groups gnomAD compares: South Asian, 0.13%; 3 homozygotes.

Submissions (5):

Labcorp Genetics (formerly Invitae), Labcorp
Classification: Likely benign for Bardet-Biedl syndrome. Last evaluated: 2026-02-01. Review status: criteria provided, single submitter. Criteria: Invitae Variant Classification Sherloc (09022015). Collection method: clinical testing. Allele origin: germline.

Blueprint Genetics
Classification: Likely benign. Last evaluated: 2022-01-26. Review status: criteria provided, single submitter. Criteria: ACMG Guidelines, 2015. Collection method: clinical testing. Allele origin: germline.

Ambry Genetics
Classification: Likely benign for Inborn genetic diseases. Last evaluated: 2022-01-07. Review status: criteria provided, single submitter. Criteria: Ambry Variant Classification Scheme 2023. Collection method: clinical testing. Allele origin: germline.

PreventionGenetics, part of Exact Sciences
Classification: Uncertain significance for BBS10-related condition. Last evaluated: 2023-12-07. Review status: no assertion criteria provided. Collection method: clinical testing. Allele origin: germline. Not counted in ClinVar's aggregate classification.
Comment: The BBS10 c.607A>G variant is predicted to result in the amino acid substitution p.Thr203Ala. To our knowledge, this variant has not been reported in the literature. This variant is reported in 0.12% of alleles in individuals of South Asian descent in gnomAD. Although we suspect that this variant may be benign, at this time, the clinical significance of this variant is uncertain due to the absence of conclusive functional and genetic evidence.

Natera, Inc.
Classification: Uncertain significance for Bardet-Biedl syndrome type 10. Last evaluated: 2020-01-24. Review status: no assertion criteria provided. Collection method: clinical testing. Allele origin: germline. Not counted in ClinVar's aggregate classification.

NM_024685.4(BBS10):c.607A>G (p.Thr203Ala)

Gene: BBS10 (Bardet-Biedl syndrome 10; minus strand). Cytogenetic location: 12q21.2.
Variant type: single nucleotide variant.
Coding change: c.607A>G on transcript NM_024685.4 (MANE Select); coding-DNA position 607, A replaced by G.
Protein change: p.Thr203Ala; replaces threonine 203 with alanine.
Molecular consequence: missense variant.
Genome position (GRCh38, 1-based): chr12:76,347,378, T>C on the plus strand (A>G on the coding strand, the complement: BBS10 is on the minus strand). VCF-style: chr12-76347378-T-C. GRCh37 (hg19) VCF-style: chr12-76741158-T-C.
Other names: short protein forms T203A.
Identifiers: ClinVar variation 754867 (VCV000754867.16), dbSNP rs753138845, ClinGen allele CA6694315.